The following is an entry in ClinVar:

ClinVar aggregate classification (germline): Uncertain significance. Review status: criteria provided, multiple submitters, no conflicts (2 of 4 stars). 2 submissions from 2 submitters: Uncertain significance (2). Last evaluated 2025-11-03.

Conditions:
Inborn genetic diseases. Identifiers: MedGen C0950123, MeSH D030342.
Mosaic variegated aneuploidy syndrome 1 (MVA1). Also called: Warburton-Anyane-Yeboa syndrome. Identifiers: Orphanet 1052, MedGen C1850343, MONDO:0009759, OMIM 257300.

Allele frequency attached by ClinVar (database versions not stated): gnomAD exomes below 0.00001.

Submissions (2):

Ambry Genetics
Classification: Uncertain significance for Inborn genetic diseases. Last evaluated: 2025-11-03. Review status: criteria provided, single submitter. Criteria: Ambry Variant Classification Scheme 2023. Collection method: clinical testing. Allele origin: germline.
Comment: The p.V106A variant (also known as c.317T>C), located in coding exon 4 of the BUB1B gene, results from a T to C substitution at nucleotide position 317. The valine at codon 106 is replaced by alanine, an amino acid with similar properties. This amino acid position is conserved. In addition, the in silico prediction for this alteration is inconclusive. Since supporting evidence is limited at this time, the clinical significance of this alteration remains unclear.

Labcorp Genetics (formerly Invitae), Labcorp
Classification: Uncertain significance for Mosaic variegated aneuploidy syndrome 1. Last evaluated: 2025-11-03. Review status: criteria provided, single submitter. Criteria: Invitae Variant Classification Sherloc (09022015). Collection method: clinical testing. Allele origin: germline.
Comment: This sequence change replaces valine, which is neutral and non-polar, with alanine, which is neutral and non-polar, at codon 106 of the BUB1B protein (p.Val106Ala). This variant is present in population databases (no rsID available, gnomAD 0.0009%). This variant has not been reported in the literature in individuals affected with BUB1B-related conditions. ClinVar contains an entry for this variant (Variation ID: 1728533). An algorithm developed to predict the effect of missense changes on protein structure and function (PolyPhen-2) suggests that this variant is likely to be disruptive. In summary, the available evidence is currently insufficient to determine the role of this variant in disease. Therefore, it has been classified as a Variant of Uncertain Significance.

NM_001211.6(BUB1B):c.317T>C (p.Val106Ala)

Gene: BUB1B (BUB1 mitotic checkpoint serine/threonine kinase B; plus strand). Cytogenetic location: 15q15.1.
Variant type: single nucleotide variant.
Coding change: c.317T>C on transcript NM_001211.6 (MANE Select); coding-DNA position 317, T replaced by C.
Protein change: p.Val106Ala; replaces valine 106 with alanine.
Molecular consequence: missense variant.
Genome position (GRCh38, 1-based): chr15:40,170,614, T>C. VCF-style: chr15-40170614-T-C. GRCh37 (hg19) VCF-style: chr15-40462815-T-C.
Other names: short protein forms V106A.
Identifiers: ClinVar variation 1728533 (VCV001728533.4), dbSNP rs1172896245, ClinGen allele CA391679176.